The following is an entry in ClinVar:

NM_021098.3(CACNA1H):c.1389C>A (p.Tyr463Ter)

Gene: CACNA1H (calcium voltage-gated channel subunit alpha1 H; plus strand). Cytogenetic location: 16p13.3.
Variant type: single nucleotide variant.
Coding change: c.1389C>A on transcript NM_021098.3 (MANE Select); coding-DNA position 1389, C replaced by A.
Protein change: p.Tyr463Ter; replaces tyrosine 463 with a stop codon.
Molecular consequence: nonsense.
Genome position (GRCh38, 1-based): chr16:1,201,839, C>A. VCF-style: chr16-1201839-C-A. GRCh37 (hg19) VCF-style: chr16-1251839-C-A.
Other names: c.1389C>A, p.Tyr463Ter (NM_001005407.2); short protein forms Y463*.
Identifiers: ClinVar variation 4785871 (VCV004785871.1).

ClinVar aggregate classification (germline): Uncertain significance (1 of 4 stars; one submission).

Conditions:
Hyperaldosteronism, familial, type IV (HALD4). Also called: FH IV; ALDOSTERONISM, PRIMARY, AND HYPERTENSION. Identifiers: Orphanet 642671, MedGen C4310756, MONDO:0014875, OMIM 617027.
Idiopathic generalized epilepsy. Also called: EIG; Generalised epilepsy. Identifiers: MedGen C0270850, MONDO:0005579, OMIM 600669.

gnomAD v4.1: 2 of 1,572,122 alleles (0.00013%); highest among the groups gnomAD compares: Non-Finnish European, 0.00017%; no homozygotes.

Submission:

Labcorp Genetics (formerly Invitae), Labcorp
Classification: Uncertain significance for Idiopathic generalized epilepsy; Hyperaldosteronism, familial, type IV. Last evaluated: 2025-08-14. Review status: criteria provided, single submitter. Criteria: Invitae Variant Classification Sherloc (09022015). Collection method: clinical testing. Allele origin: germline.
Comment: This sequence change creates a premature translational stop signal (p.Tyr463*) in the CACNA1H gene. It is expected to result in an absent or disrupted protein product. However, the current clinical and genetic evidence is not sufficient to establish whether loss-of-function variants in CACNA1H cause disease. This variant is not present in population databases (gnomAD no frequency). This variant has not been reported in the literature in individuals affected with CACNA1H-related conditions. Algorithms developed to predict the effect of sequence changes on RNA splicing suggest that this variant may create or strengthen a splice site. In summary, the available evidence is currently insufficient to determine the role of this variant in disease. Therefore, it has been classified as a Variant of Uncertain Significance.